The following is an entry in ClinVar:

ClinVar aggregate classification (germline): Uncertain significance (1 of 4 stars; one submission).

Allele frequency attached by ClinVar (database versions not stated): gnomAD 0.00001; gnomAD exomes below 0.00001; TOPMed 0.00001.
gnomAD v4.1: 7 of 1,613,466 alleles (0.00043%); highest among the groups gnomAD compares: Admixed American, 0.0017%; no homozygotes.

Submission:

Labcorp Genetics (formerly Invitae), Labcorp
Classification: Uncertain significance. Last evaluated: 2024-04-25. Review status: criteria provided, single submitter. Criteria: Invitae Variant Classification Sherloc (09022015). Collection method: clinical testing. Allele origin: germline.
Comment: This sequence change replaces isoleucine, which is neutral and non-polar, with valine, which is neutral and non-polar, at codon 1610 of the USH2A protein (p.Ile1610Val). This variant is present in population databases (no rsID available, gnomAD no frequency). This variant has not been reported in the literature in individuals affected with USH2A-related conditions. ClinVar contains an entry for this variant (Variation ID: 1397654). Advanced modeling of protein sequence and biophysical properties (such as structural, functional, and spatial information, amino acid conservation, physicochemical variation, residue mobility, and thermodynamic stability) performed at Invitae indicates that this missense variant is not expected to disrupt USH2A protein function with a negative predictive value of 95%. In summary, the available evidence is currently insufficient to determine the role of this variant in disease. Therefore, it has been classified as a Variant of Uncertain Significance.

NM_206933.4(USH2A):c.4828A>G (p.Ile1610Val)

Gene: USH2A (usherin; minus strand). Cytogenetic location: 1q41.
Variant type: single nucleotide variant.
Coding change: c.4828A>G on transcript NM_206933.4 (MANE Select); coding-DNA position 4828, A replaced by G.
Protein change: p.Ile1610Val; replaces isoleucine 1610 with valine.
Molecular consequence: missense variant.
Genome position (GRCh38, 1-based): chr1:216,089,070, T>C on the plus strand (A>G on the coding strand, the complement: USH2A is on the minus strand). VCF-style: chr1-216089070-T-C. GRCh37 (hg19) VCF-style: chr1-216262412-T-C.
Other names: short protein forms I1610V.
Identifiers: ClinVar variation 1397654 (VCV001397654.6), dbSNP rs1290492076, ClinGen allele CA344860712.